The following is an entry in ClinVar:

NM_003331.5(TYK2):c.2814C>G (p.Pro938=)

Gene: TYK2 (tyrosine kinase 2; minus strand). Cytogenetic location: 19p13.2.
Variant type: single nucleotide variant.
Coding change: c.2814C>G on transcript NM_003331.5 (MANE Select); coding-DNA position 2814, C replaced by G.
Protein change: p.Pro938=; no amino-acid change (proline 938 retained).
Molecular consequence: synonymous variant.
Genome position (GRCh38, 1-based): chr19:10,354,136, G>C on the plus strand (C>G on the coding strand, the complement: TYK2 is on the minus strand). VCF-style: chr19-10354136-G-C. GRCh37 (hg19) VCF-style: chr19-10464812-G-C.
Identifiers: ClinVar variation 741292 (VCV000741292.32), dbSNP rs763629813, ClinGen allele CA9192919.

ClinVar aggregate classification (germline): Likely benign. Review status: criteria provided, multiple submitters, no conflicts (2 of 4 stars). 3 submissions from 3 submitters: Likely benign (2). 1 of the submissions does not count toward it. Last evaluated 2025-10-09.

Conditions:
Immunodeficiency 35 (IMD35). Also called: HIES WITH ATYPICAL MYCOBACTERIOSIS, AUTOSOMAL RECESSIVE; HYPER-IgE SYNDROME WITH ATYPICAL MYCOBACTERIOSIS, AUTOSOMAL RECESSIVE; TYK2 DEFICIENCY; Susceptibility to infection due to TYK2 deficiency. Identifiers: Orphanet 331226, MedGen C1969086, MONDO:0012682, OMIM 611521.
TYK2-related disorder. Also called: TYK2-related condition.

Allele frequency attached by ClinVar (database versions not stated): gnomAD 0.00003 and 0.00004; gnomAD exomes 0.00004; ExAC 0.00006; TOPMed 0.00006.
gnomAD v4.1: 57 of 1,614,092 alleles (0.0035%); highest among the groups gnomAD compares: Middle Eastern, 0.016%; no homozygotes.

Submissions (3):

Labcorp Genetics (formerly Invitae), Labcorp
Classification: Likely benign for Immunodeficiency 35. Last evaluated: 2025-10-09. Review status: criteria provided, single submitter. Criteria: Invitae Variant Classification Sherloc (09022015). Collection method: clinical testing. Allele origin: germline.

CeGaT Center for Human Genetics Tuebingen
Classification: Likely benign. Last evaluated: 2023-08-01. Review status: criteria provided, single submitter. Criteria: CeGaT Center For Human Genetics Tuebingen Variant Classification Criteria Version 2. Collection method: clinical testing. Allele origin: germline. Affected: yes. Observed: 1 variant allele.
Comment: TYK2: BP4, BP7

PreventionGenetics, part of Exact Sciences
Classification: Likely benign for TYK2-related condition. Last evaluated: 2019-08-13. Review status: no assertion criteria provided. Collection method: clinical testing. Allele origin: germline. Not counted in ClinVar's aggregate classification.
Comment: This variant is classified as likely benign based on ACMG/AMP sequence variant interpretation guidelines (Richards et al. 2015 PMID: 25741868, with internal and published modifications).